The following is an entry in ClinVar:

NM_000540.3(RYR1):c.11687A>G (p.Asn3896Ser)

Gene: RYR1 (ryanodine receptor 1; plus strand). Cytogenetic location: 19q13.2.
Variant type: single nucleotide variant.
Coding change: c.11687A>G on transcript NM_000540.3 (MANE Select); coding-DNA position 11687, A replaced by G.
Protein change: p.Asn3896Ser; replaces asparagine 3896 with serine.
Molecular consequence: missense variant.
Genome position (GRCh38, 1-based): chr19:38,537,958, A>G. VCF-style: chr19-38537958-A-G. GRCh37 (hg19) VCF-style: chr19-39028598-A-G.
Other names: c.11672A>G, p.Asn3891Ser (NM_001042723.2); short protein forms N3891S, N3896S.
Identifiers: ClinVar variation 3070441 (VCV003070441.3), dbSNP rs1555793251, ClinGen allele CA405658635.

ClinVar aggregate classification (germline): Uncertain significance. Review status: criteria provided, multiple submitters, no conflicts (2 of 4 stars). 2 submissions from 2 submitters: Uncertain significance (2). Last evaluated 2026-02-23.

Conditions:
Malignant hyperthermia, susceptibility to, 1 (MHS1). Also called: Malignant hyperthermia suceptibility 1; RYR1-Related Malignant Hyperthermia Susceptibility; Anesthesia related hyperthermia; Malignant hyperpyrexia; Fulminating hyperpyrexia; Pharmacogenic myopathy. Identifiers: Orphanet 423, MedGen C2930980, MONDO:0007783, OMIM 145600.

Allele frequency attached by ClinVar (database versions not stated): TOPMed 0.00001.
gnomAD v4.1: 3 of 1,024,724 alleles (0.00029%); highest among the groups gnomAD compares: Non-Finnish European, 0.00043%; no homozygotes.

Submissions (2):

GeneDx
Classification: Uncertain significance. Last evaluated: 2026-02-23. Review status: criteria provided, single submitter. Criteria: GeneDx Variant Classification Process June 2021. Collection method: clinical testing. Allele origin: germline.
Comment: Not observed at significant frequency in large population cohorts (gnomAD); In silico analysis supports that this missense variant has a deleterious effect on protein structure/function; Has not been previously published as pathogenic or benign to our knowledge; In silico analysis is inconclusive as to whether the variant alters gene splicing. In the absence of RNA/functional studies, the actual effect of this sequence change is unknown.

All of Us Research Program, National Institutes of Health
Classification: Uncertain significance for Malignant hyperthermia, susceptibility to, 1. Last evaluated: 2024-07-10. Review status: criteria provided, single submitter. Criteria: ACMG Guidelines, 2015. Collection method: clinical testing. Allele origin: germline. Inheritance: Autosomal dominant inheritance. Observed: 2 variant alleles, 2 heterozygotes.
Comment: This missense variant replaces asparagine with serine at codon 3896 of the RYR1 protein. Computational prediction suggests that this variant may not impact protein structure and function (internally defined REVEL score threshold <= 0.5, PMID: 27666373). To our knowledge, functional studies have not been reported for this variant. This variant has not been reported in individuals affected with RYR1-related disorders in the literature. This variant has not been identified in the general population by the Genome Aggregation Database (gnomAD). The available evidence is insufficient to determine the role of this variant in disease conclusively. Therefore, this variant is classified as a Variant of Uncertain Significance.

This study involves interpretation of variants in research participants for the purpose of population health screening. Participant phenotype was not available at the time of variant classification. Additional details can be found in publication PMID: 35346344, PMCID: PMC8962531